The following is an entry in ClinVar:

ClinVar aggregate classification (germline): Likely benign. Review status: criteria provided, multiple submitters, no conflicts (2 of 4 stars). 4 submissions from 4 submitters: Likely benign (3). 1 of the submissions does not count toward it. Last evaluated 2025-01-30.

Conditions:
Seizures, benign familial infantile, 3 (BFIS3). Also called: CONVULSIONS, BENIGN FAMILIAL INFANTILE, 3; Familial neonatal seizures. Identifiers: Orphanet 140927, Orphanet 306, MedGen C1843140, MONDO:0011904, OMIM 607745.
Developmental and epileptic encephalopathy, 11 (DEE11). Also called: Early infantile epileptic encephalopathy 11. Identifiers: Orphanet 1934, MedGen C3150987, MONDO:0013388, OMIM 613721.
SCN2A-related disorder. Also called: SCN2A-related disorders; SCN2A-related condition. Identifiers: MedGen CN382226, MONDO:1060245.
Inborn genetic diseases. Identifiers: MedGen C0950123, MeSH D030342.

Allele frequency attached by ClinVar (database versions not stated): gnomAD exomes 0.00002 and 0.00001; gnomAD 0.00006; ExAC 0.00001; TOPMed 0.00006.
gnomAD v4.1: 30 of 1,613,032 alleles (0.0019%); highest among the groups gnomAD compares: Middle Eastern, 0.016%; no homozygotes.

Submissions (4):

Labcorp Genetics (formerly Invitae), Labcorp
Classification: Likely benign for Seizures, benign familial infantile, 3; Developmental and epileptic encephalopathy, 11. Last evaluated: 2025-01-30. Review status: criteria provided, single submitter. Criteria: Invitae Variant Classification Sherloc (09022015). Collection method: clinical testing. Allele origin: germline.

GeneDx
Classification: Likely benign. Last evaluated: 2020-12-03. Review status: criteria provided, single submitter. Criteria: GeneDx Variant Classification Process June 2021. Collection method: clinical testing. Allele origin: germline. Affected: yes.

Ambry Genetics
Classification: Likely benign for Inborn genetic diseases. Last evaluated: 2018-10-11. Review status: criteria provided, single submitter. Criteria: Ambry Variant Classification Scheme 2023. Collection method: clinical testing. Allele origin: germline.

PreventionGenetics, part of Exact Sciences
Classification: Likely benign for SCN2A-related condition. Last evaluated: 2019-12-03. Review status: no assertion criteria provided. Collection method: clinical testing. Allele origin: germline. Not counted in ClinVar's aggregate classification.
Comment: This variant is classified as likely benign based on ACMG/AMP sequence variant interpretation guidelines (Richards et al. 2015 PMID: 25741868, with internal and published modifications).

NM_001040142.2(SCN2A):c.4221C>T (p.Asn1407=)

Gene: SCN2A (sodium voltage-gated channel alpha subunit 2; plus strand). Cytogenetic location: 2q24.3.
Variant type: single nucleotide variant.
Coding change: c.4221C>T on transcript NM_001040142.2 (MANE Select); coding-DNA position 4221, C replaced by T.
Protein change: p.Asn1407=; no amino-acid change (asparagine 1407 retained).
Molecular consequence: synonymous variant.
Genome position (GRCh38, 1-based): chr2:165,374,933, C>T. VCF-style: chr2-165374933-C-T. GRCh37 (hg19) VCF-style: chr2-166231443-C-T.
Other names: c.4221C>T, p.Asn1407= (NM_001040143.2, NM_001371246.1, NM_001371247.1 and 1 more transcripts).
Identifiers: ClinVar variation 516634 (VCV000516634.17), dbSNP rs747792907, ClinGen allele CA1940234.